The following is an entry in ClinVar:

NM_000238.4(KCNH2):c.1705T>C (p.Tyr569His)

Gene: KCNH2 (potassium voltage-gated channel subfamily H member 2; minus strand). Cytogenetic location: 7q36.1.
Variant type: single nucleotide variant.
Coding change: c.1705T>C on transcript NM_000238.4 (MANE Select); coding-DNA position 1705, T replaced by C.
Protein change: p.Tyr569His; replaces tyrosine 569 with histidine.
Molecular consequence: missense variant.
Genome position (GRCh38, 1-based): chr7:150,951,688, A>G on the plus strand (T>C on the coding strand, the complement: KCNH2 is on the minus strand). VCF-style: chr7-150951688-A-G. GRCh37 (hg19) VCF-style: chr7-150648776-A-G.
Other names: c.1705T>C (LRG_288t1); c.685T>C, p.Tyr229His (NM_001204798.2, NM_172057.3); c.1417T>C, p.Tyr473His (NM_001406753.1, NM_001406756.1); c.1528T>C, p.Tyr510His (NM_001406755.1); c.1405T>C, p.Tyr469His (NM_001406757.1); c.1705T>C, p.Tyr569His (NM_172056.3); short protein forms Y229H, Y569H, Y473H, Y469H, Y510H.
Identifiers: ClinVar variation 67245 (VCV000067245.4), dbSNP rs199473520, ClinGen allele CA005214.

ClinVar aggregate classification (germline): Likely pathogenic. Review status: criteria provided, single submitter (1 of 4 stars). 2 submissions from 2 submitters: Likely pathogenic (1). 1 of the submissions does not count toward it. Last evaluated 2025-04-23.

Conditions:
Familial long QT syndrome (RWS). Also called: Congenital long QT syndrome; Romano-Ward syndrome; VENTRICULAR FIBRILLATION WITH PROLONGED QT INTERVAL. Identifiers: Orphanet 768, MedGen C1141890, MONDO:0019171.
Long QT syndrome (LQTS). Identifiers: MedGen C0023976, MeSH D008133, MONDO:0002442. Disease mechanism: loss of function. Inheritance: Various modes of inheritance.

Submissions (2):

Labcorp Genetics (formerly Invitae), Labcorp
Classification: Likely pathogenic for Long QT syndrome. Last evaluated: 2025-04-23. Review status: criteria provided, single submitter. Criteria: Invitae Variant Classification Sherloc (09022015). Collection method: clinical testing. Allele origin: germline.
Comment: This sequence change replaces tyrosine, which is neutral and polar, with histidine, which is basic and polar, at codon 569 of the KCNH2 protein (p.Tyr569His). This variant is not present in population databases (gnomAD no frequency). This missense change has been observed in individual(s) with clinical features of long QT syndrome (PMID: 10862094; internal data). In at least one individual the variant was observed to be de novo. ClinVar contains an entry for this variant (Variation ID: 67245). An algorithm developed to predict the effect of missense changes on protein structure and function (PolyPhen-2) suggests that this variant is likely to be disruptive. Experimental studies have shown that this missense change affects KCNH2 function (PMID: 25417810). In summary, the currently available evidence indicates that the variant is pathogenic, but additional data are needed to prove that conclusively. Therefore, this variant has been classified as Likely Pathogenic.

Cardiovascular Biomedical Research Unit, Royal Brompton & Harefield NHS Foundation Trust
No classification provided. Condition: Familial long QT syndrome. Review status: no classification provided. Collection method: literature only. Allele origin: germline. Not counted in ClinVar's aggregate classification.
Comment: This variant has been reported as associated with Long QT syndrome in the following publications (PMID:10483966;PMID:10862094). This is a literature report, and does not necessarily reflect the clinical interpretation of the Imperial College / Royal Brompton Cardiovascular Genetics laboratory.

Literature cited by the submitters: PubMed 10862094 (cited by Labcorp Genetics (formerly Invitae), Labcorp and Cardiovascular Biomedical Research Unit, Royal Brompton & Harefield NHS Foundation Trust); PubMed 25417810 (cited by Labcorp Genetics (formerly Invitae), Labcorp); PubMed 10483966 (cited by Cardiovascular Biomedical Research Unit, Royal Brompton & Harefield NHS Foundation Trust); PubMed 22581653 (cited by Cardiovascular Biomedical Research Unit, Royal Brompton & Harefield NHS Foundation Trust).